The following is an entry in ClinVar:

NC_012920.1(MT-ND5):m.14142C>A

Gene: MT-ND5 (mitochondrially encoded NADH dehydrogenase 5; plus strand).
Variant type: single nucleotide variant.
Genome position: chrM-14142-C-A.
Identifiers: ClinVar variation 693674 (VCV000693674.1), dbSNP rs1603224552, ClinGen allele CA913171451.
Genomic context (GRCh38, chrMT:14,142, plus strand): 5'-CATAATTAAACTTTACTTCCTCTCTTTCTTCTTCCCACTCATCCTAACCCTACTCCTAAT[C>A]ACATAACCTATTCCCCCGAGCAATCTCAATTACAATATATACACCAACAAACAATGTTCA-3'

ClinVar aggregate classification (germline): Likely benign (1 of 4 stars; one submission).

Conditions:
Leigh syndrome (NULS). Also called: Leigh's necrotizing encephalopathy; Leigh's disease; Leigh's syndrome; LEIGH SYNDROME, NUCLEAR; Leigh Syndrome (mtDNA deletion); Leigh Disease. Identifiers: Orphanet 506, MedGen C2931891, MONDO:0009723, OMIM 256000.

Submission:

Wong Mito Lab, Molecular and Human Genetics, Baylor College of Medicine
Classification: Likely benign for Leigh syndrome. Last evaluated: 2019-10-17. Review status: criteria provided, single submitter. Criteria: Modified ACMG Guidelines (Unpublished). Collection method: clinical testing. Allele origin: germline.
Comment: The NC_012920.1:m.14142C>A (YP_003024036.1:p.Ile602Met) variant in MTND5 gene is interpretated to be a Likely Benign variant based on the modified ACMG guidelines (unpublished). This variant meets the following evidence codes: BS1, BP4